The following is an entry in ClinVar:

NM_001083962.2(TCF4):c.1307G>C (p.Gly436Ala)

Gene: TCF4 (transcription factor 4; minus strand). Cytogenetic location: 18q21.2.
Variant type: single nucleotide variant.
Coding change: c.1307G>C on transcript NM_001083962.2 (MANE Select); coding-DNA position 1307, G replaced by C.
Protein change: p.Gly436Ala; replaces glycine 436 with alanine.
Molecular consequence: missense variant.
Genome position (GRCh38, 1-based): chr18:55,254,540, C>G on the plus strand (G>C on the coding strand, the complement: TCF4 is on the minus strand). VCF-style: chr18-55254540-C-G. GRCh37 (hg19) VCF-style: chr18-52921771-C-G.
Other names: c.1298G>C, p.Gly433Ala (NM_001243230.2); c.1181G>C, p.Gly394Ala (NM_001243231.2, NM_001348211.2); c.1094G>C, p.Gly365Ala (NM_001243232.1, NM_001306208.1); c.917G>C, p.Gly306Ala (NM_001243233.2, NM_001330605.3, NM_001348212.2 and 1 more transcripts); c.827G>C, p.Gly276Ala (NM_001243234.2, NM_001243235.2, NM_001243236.2 and 1 more transcripts); c.1235G>C, p.Gly412Ala (NM_001306207.1, NM_001243227.2, NM_001348219.2 and 5 more transcripts); c.1613G>C, p.Gly538Ala (NM_001243226.3); c.1325G>C, p.Gly442Ala (NM_001243228.2); and 6 more; short protein forms G220A, G275A, G276A, G306A, G365A, G394A, G411A, G412A.
Identifiers: ClinVar variation 1702716 (VCV001702716.4), dbSNP rs758564063, ClinGen allele CA402533305.

ClinVar aggregate classification (germline): Uncertain significance. Review status: criteria provided, multiple submitters, no conflicts (2 of 4 stars). 2 submissions from 2 submitters: Uncertain significance (2). Last evaluated 2024-09-27.

Conditions:
Pitt-Hopkins syndrome (PTHS). Also called: ENCEPHALOPATHY, SEVERE EPILEPTIC, WITH AUTONOMIC DYSFUNCTION; MENTAL RETARDATION, SYNDROMAL, WITH INTERMITTENT HYPERVENTILATION. Identifiers: Orphanet 2896, MedGen C1970431, MONDO:0012589, OMIM 610954.

Allele frequency attached by ClinVar (database versions not stated): gnomAD 0.00001; TOPMed 0.00001.
gnomAD v4.1: 2 of 1,613,536 alleles (0.00012%); highest among the groups gnomAD compares: Non-Finnish European, 0.00017%; no homozygotes.

Submissions (2):

Labcorp Genetics (formerly Invitae), Labcorp
Classification: Uncertain significance for Pitt-Hopkins syndrome. Last evaluated: 2024-09-27. Review status: criteria provided, single submitter. Criteria: Invitae Variant Classification Sherloc (09022015). Collection method: clinical testing. Allele origin: germline.
Comment: This sequence change replaces glycine, which is neutral and non-polar, with alanine, which is neutral and non-polar, at codon 436 of the TCF4 protein (p.Gly436Ala). This variant is not present in population databases (gnomAD no frequency). This variant has not been reported in the literature in individuals affected with TCF4-related conditions. ClinVar contains an entry for this variant (Variation ID: 1702716). Invitae Evidence Modeling of protein sequence and biophysical properties (such as structural, functional, and spatial information, amino acid conservation, physicochemical variation, residue mobility, and thermodynamic stability) indicates that this missense variant is not expected to disrupt TCF4 protein function with a negative predictive value of 95%. In summary, the available evidence is currently insufficient to determine the role of this variant in disease. Therefore, it has been classified as a Variant of Uncertain Significance.

GeneDx
Classification: Uncertain significance. Last evaluated: 2022-02-22. Review status: criteria provided, single submitter. Criteria: GeneDx Variant Classification Process June 2021. Collection method: clinical testing. Allele origin: germline. Affected: yes.
Comment: Not observed at significant frequency in large population cohorts (gnomAD); In silico analysis supports that this missense variant does not alter protein structure/function; Has not been previously published as pathogenic or benign to our knowledge